The following is an entry in ClinVar:

ClinVar aggregate classification (germline): Uncertain significance. Review status: criteria provided, multiple submitters, no conflicts (2 of 4 stars). 2 submissions from 2 submitters: Uncertain significance (2). Last evaluated 2025-08-06.

Conditions:
Emery-Dreifuss muscular dystrophy 5, autosomal dominant (EDMD5). Also called: EMERY-DREIFUSS MUSCULAR DYSTROPHY 5. Identifiers: Orphanet 261, MedGen C2751805, MONDO:0013072, OMIM 612999.

Allele frequency attached by ClinVar (database versions not stated): TOPMed 0.00001.
gnomAD v4.1: 18 of 1,614,074 alleles (0.0011%); highest among the groups gnomAD compares: East Asian, 0.0022%; no homozygotes.

Submissions (2):

Labcorp Genetics (formerly Invitae), Labcorp
Classification: Uncertain significance for Emery-Dreifuss muscular dystrophy 5, autosomal dominant. Last evaluated: 2025-08-06. Review status: criteria provided, single submitter. Criteria: Invitae Variant Classification Sherloc (09022015). Collection method: clinical testing. Allele origin: germline.
Comment: This sequence change replaces arginine, which is basic and polar, with glutamine, which is neutral and polar, at codon 6205 of the SYNE2 protein (p.Arg6205Gln). This variant is present in population databases (no rsID available, gnomAD 0.003%). This variant has not been reported in the literature in individuals affected with SYNE2-related conditions. ClinVar contains an entry for this variant (Variation ID: 2436795). An algorithm developed to predict the effect of missense changes on protein structure and function (PolyPhen-2) suggests that this variant is likely to be disruptive. In summary, the available evidence is currently insufficient to determine the role of this variant in disease. Therefore, it has been classified as a Variant of Uncertain Significance.

Revvity Omics, Revvity
Classification: Uncertain significance for Emery-Dreifuss muscular dystrophy 5, autosomal dominant. Last evaluated: 2019-05-10. Review status: criteria provided, single submitter. Criteria: ACMG Guidelines, 2015. Collection method: clinical testing. Allele origin: germline.

NM_182914.3(SYNE2):c.18614G>A (p.Arg6205Gln)

Gene: SYNE2 (spectrin repeat containing nuclear envelope protein 2; plus strand). Cytogenetic location: 14q23.2.
Variant type: single nucleotide variant.
Coding change: c.18614G>A on transcript NM_182914.3 (MANE Select); coding-DNA position 18614, G replaced by A.
Protein change: p.Arg6205Gln; replaces arginine 6205 with glutamine.
Molecular consequence: missense variant.
Genome position (GRCh38, 1-based): chr14:64,210,015, G>A. VCF-style: chr14-64210015-G-A. GRCh37 (hg19) VCF-style: chr14-64676733-G-A.
Other names: c.18614G>A, p.Arg6205Gln (NM_015180.6); short protein forms R6205Q.
Identifiers: ClinVar variation 2436795 (VCV002436795.4), dbSNP rs1431570657, ClinGen allele CA389951230.